The following is an entry in ClinVar:

ClinVar aggregate classification (germline): Pathogenic (1 of 4 stars; one submission).

Conditions:
Hematuria. Identifiers: MedGen C0018965, HP:0000790.

Submission:

Genetics Laboratory, Great Ormond Street Hospital NHS Foundation Trust, North Thames Genomic Laboratory Hub
Classification: Pathogenic for Haematuria. Last evaluated: 2026-06-10. Review status: criteria provided, single submitter. Criteria: ACGS Best Practice Guidelines for Variant Classification in Rare Disease 2024 v1.2. Collection method: clinical testing. Allele origin: germline. Affected: yes.
Comment: PM2_moderate, PVS1_very-strong, PP4_supporting

NM_033380.3(COL4A5):c.892-1G>C

Gene: COL4A5 (collagen type IV alpha 5 chain; plus strand). Cytogenetic location: Xq22.3.
Variant type: single nucleotide variant.
Coding change: c.892-1G>C on transcript NM_033380.3 (MANE Select); the canonical splice acceptor site of the intron before coding-DNA position 892, G replaced by C.
Molecular consequence: splice acceptor variant.
Genome position (GRCh38, 1-based): chrX:108,580,982, G>C. VCF-style: chrX-108580982-G-C. GRCh37 (hg19) VCF-style: chrX-107824212-G-C.
Other names: c.892-1G>C (NM_000495.5).
Identifiers: ClinVar variation 4880481 (VCV004880481.1), dbSNP rs104886452.